The following is an entry in ClinVar:

NM_014043.4(CHMP2B):c.252T>C (p.Ser84=)

Gene: CHMP2B (charged multivesicular body protein 2B; plus strand). Cytogenetic location: 3p11.2.
Variant type: single nucleotide variant.
Coding change: c.252T>C on transcript NM_014043.4 (MANE Select); coding-DNA position 252, T replaced by C.
Protein change: p.Ser84=; no amino-acid change (serine 84 retained).
Molecular consequence: synonymous variant.
Genome position (GRCh38, 1-based): chr3:87,245,839, T>C. VCF-style: chr3-87245839-T-C. GRCh37 (hg19) VCF-style: chr3-87294989-T-C.
Other names: c.129T>C, p.Ser43= (NM_001244644.2); c.348T>C, p.Ser116= (NM_001410777.1).
Identifiers: ClinVar variation 3351186 (VCV003351186.2).

ClinVar aggregate classification (germline): Likely benign (1 of 4 stars; one submission).

Conditions:
CHMP2B-related disorder. Also called: CHMP2B-related condition.

gnomAD v4.1: 33 of 1,613,706 alleles (0.002%); highest among the groups gnomAD compares: African/African-American, 0.044%; no homozygotes.

Submission:

PreventionGenetics, part of Exact Sciences
Classification: Likely benign for CHMP2B-related condition. Last evaluated: 2025-03-03. Review status: criteria provided, single submitter. Criteria: ACMG Guidelines, 2015. Collection method: clinical testing. Allele origin: germline.
Comment: This variant is classified as likely benign based on ACMG/AMP sequence variant interpretation guidelines (Richards et al. 2015 PMID: 25741868, with internal and published modifications).